The following is an entry in ClinVar:

NM_018127.7(ELAC2):c.1441C>G (p.Pro481Ala)

Gene: ELAC2 (elaC ribonuclease Z 2; minus strand). Cytogenetic location: 17p12.
Variant type: single nucleotide variant.
Coding change: c.1441C>G on transcript NM_018127.7 (MANE Select); coding-DNA position 1441, C replaced by G.
Protein change: p.Pro481Ala; replaces proline 481 with alanine.
Molecular consequence: missense variant.
Genome position (GRCh38, 1-based): chr17:12,998,491, G>C on the plus strand (C>G on the coding strand, the complement: ELAC2 is on the minus strand). VCF-style: chr17-12998491-G-C. GRCh37 (hg19) VCF-style: chr17-12901808-G-C.
Other names: c.1321C>G, p.Pro441Ala (NM_001165962.2); c.1438C>G, p.Pro480Ala (NM_173717.2); short protein forms P441A, P480A, P481A.
Identifiers: ClinVar variation 1432367 (VCV001432367.5), dbSNP rs1474253067, ClinGen allele CA398224759.

ClinVar aggregate classification (germline): Uncertain significance (1 of 4 stars; one submission).

Conditions:
Combined oxidative phosphorylation defect type 17. Also called: Combined oxidative phosphorylation deficiency 17. Identifiers: Orphanet 369913, MedGen C3809526, MONDO:0014190, OMIM 615440.

Allele frequency attached by ClinVar (database versions not stated): gnomAD exomes below 0.00001; gnomAD 0.00001; TOPMed 0.00001.
gnomAD v4.1: 2 of 1,614,028 alleles (0.00012%); highest among the groups gnomAD compares: Non-Finnish European, 0.00017%; no homozygotes.

Submission:

Labcorp Genetics (formerly Invitae), Labcorp
Classification: Uncertain significance for Combined oxidative phosphorylation defect type 17. Last evaluated: 2021-10-24. Review status: criteria provided, single submitter. Criteria: Invitae Variant Classification Sherloc (09022015). Collection method: clinical testing. Allele origin: germline.
Comment: This sequence change replaces proline with alanine at codon 481 of the ELAC2 protein (p.Pro481Ala). The proline residue is highly conserved and there is a small physicochemical difference between proline and alanine. This variant is not present in population databases (ExAC no frequency). This variant has not been reported in the literature in individuals affected with ELAC2-related conditions. Algorithms developed to predict the effect of missense changes on protein structure and function are either unavailable or do not agree on the potential impact of this missense change (SIFT: "Tolerated"; PolyPhen-2: "Probably Damaging"; Align-GVGD: "Class C0"). In summary, the available evidence is currently insufficient to determine the role of this variant in disease. Therefore, it has been classified as a Variant of Uncertain Significance.